The following is an entry in ClinVar:

NM_007186.6(CEP250):c.1085G>C (p.Gly362Ala)

Genes: CEP250 (centrosomal protein 250; plus strand), CEP250-AS1 (CEP250 antisense RNA 1; minus strand). Cytogenetic location: 20q11.22.
Variant type: single nucleotide variant.
Coding change: c.1085G>C on transcript NM_007186.6 (MANE Select); coding-DNA position 1085, G replaced by C.
Protein change: p.Gly362Ala; replaces glycine 362 with alanine.
Molecular consequence: missense variant. On other transcripts: 5 prime UTR variant (1).
Genome position (GRCh38, 1-based): chr20:35,472,707, G>C. VCF-style: chr20-35472707-G-C. GRCh37 (hg19) VCF-style: chr20-34060532-G-C.
Other names: c.-815G>C (NM_001318219.1); c.1085G>C (NM_007186.5); short protein forms G362A.
Identifiers: ClinVar variation 1008119 (VCV001008119.6), dbSNP rs116172871, ClinGen allele CA9832818.

ClinVar aggregate classification (germline): Uncertain significance. Review status: criteria provided, multiple submitters, no conflicts (2 of 4 stars). 2 submissions from 2 submitters: Uncertain significance (2). Last evaluated 2026-05-18.

Conditions:
CEP250-related disorder. Also called: CEP250-related condition.

Allele frequency attached by ClinVar (database versions not stated): gnomAD 0.00004 and 0.00007; TOPMed 0.00007; ExAC 0.00008; 1000 Genomes Project 30x 0.00031; 1000 Genomes Project 0.00040.
gnomAD v4.1: 79 of 1,614,160 alleles (0.0049%); highest among the groups gnomAD compares: East Asian, 0.16%; no homozygotes.

Submissions (2):

PreventionGenetics, part of Exact Sciences
Classification: Uncertain significance for CEP250-related condition. Last evaluated: 2026-05-18. Review status: criteria provided, single submitter. Criteria: ACMG Guidelines, 2015. Collection method: clinical testing. Allele origin: germline.
Comment: The CEP250 c.1085G>C variant is predicted to result in the amino acid substitution p.Gly362Ala. To our knowledge, this variant has not been reported in the literature. This variant is reported in 0.095% of alleles in individuals of East Asian descent in gnomAD. Although we suspect that this variant may be benign, at this time, the clinical significance of this variant is uncertain due to the absence of conclusive functional and genetic evidence.

Labcorp Genetics (formerly Invitae), Labcorp
Classification: Uncertain significance. Last evaluated: 2023-05-22. Review status: criteria provided, single submitter. Criteria: Invitae Variant Classification Sherloc (09022015). Collection method: clinical testing. Allele origin: germline.
Comment: Algorithms developed to predict the effect of missense changes on protein structure and function output the following: SIFT: "Not Available"; PolyPhen-2: "Benign"; Align-GVGD: "Not Available". The alanine amino acid residue is found in multiple mammalian species, which suggests that this missense change does not adversely affect protein function. In summary, the available evidence is currently insufficient to determine the role of this variant in disease. Therefore, it has been classified as a Variant of Uncertain Significance. ClinVar contains an entry for this variant (Variation ID: 1008119). This variant has not been reported in the literature in individuals affected with CEP250-related conditions. This variant is present in population databases (rs116172871, gnomAD 0.1%). This sequence change replaces glycine, which is neutral and non-polar, with alanine, which is neutral and non-polar, at codon 362 of the CEP250 protein (p.Gly362Ala).